The following is an entry in ClinVar:

ClinVar aggregate classification (germline): Conflicting classifications of pathogenicity. Review status: criteria provided, conflicting classifications (1 of 4 stars). 17 submissions from 17 submitters: Uncertain significance (12); Likely benign (3). 2 of the submissions do not count toward it. Last evaluated 2026-07-23.

Conditions:
Familial ovarian cancer. Identifiers: MedGen C5679802, MONDO:0016248.
Hereditary cancer. Identifiers: MedGen C1333600.
Hereditary cancer-predisposing syndrome. Also called: Tumor predisposition; Neoplastic Syndromes, Hereditary; Hereditary Cancer Syndrome; Hereditary neoplastic syndrome. Identifiers: Orphanet 140162, MedGen C0027672, MeSH D009386, MONDO:0015356.
Breast-ovarian cancer, familial, susceptibility to, 4. Identifiers: Orphanet 145, MedGen C3280345, MONDO:0013669, OMIM 614291.

Allele frequency attached by ClinVar (database versions not stated): TOPMed 0.00001; ExAC 0.00002; gnomAD 0.00006.
gnomAD v4.1: 32 of 1,611,014 alleles (0.002%); highest among the groups gnomAD compares: Middle Eastern, 0.084%; 1 homozygote.

Submissions 1 to 9 of 17:

Institut für angewandte Humangenetik und Onkogenetik Professor Froster
Classification: Uncertain significance for Breast-ovarian cancer, familial, susceptibility to, 4. Last evaluated: 2026-07-23. Review status: criteria provided, single submitter. Criteria: ACMG Guidelines, 2015. Collection method: clinical testing. Allele origin: germline. Affected: yes. Observed: 1 variant allele.
Comment: This missense variant results in a substitution of arginine with tryptophan at codon 259, codon 239 respectively, of the ATM protein. Computational prediction is inconclusive (REVEL: 0.29, PolyPhen-2: 0.806, BayesDel_noAF: 0.040). The variant is present at a frequency of 3.9e-5 in the population database (gnomAD v2.1.1). In the literatur this variant has been reported in individuals with ovarian cancer (PMID: 22986143, PMID: 29409816) and breast cancer (PMID: 29409816, PMID: 38439815). No functional studies evaluating the impact of this variant have been reported. Segregation analysis could not be performed. The currently available evidence does not suffice to conclusively determine the role of this variant in disease, therefore, it is classified as a Variant of Uncertain Significance (PM2_SUP)

Ambry Genetics
Classification: Uncertain significance for Hereditary cancer-predisposing syndrome. Last evaluated: 2026-02-27. Review status: criteria provided, single submitter. Criteria: Ambry Variant Classification Scheme 2023. Collection method: clinical testing. Allele origin: germline.

Labcorp Genetics (formerly Invitae), Labcorp
Classification: Uncertain significance for Breast-ovarian cancer, familial, susceptibility to, 4. Last evaluated: 2026-01-26. Review status: criteria provided, single submitter. Criteria: Invitae Variant Classification Sherloc (09022015). Collection method: clinical testing. Allele origin: germline.
Comment: This sequence change replaces arginine, which is basic and polar, with tryptophan, which is neutral and slightly polar, at codon 239 of the RAD51D protein (p.Arg239Trp). This variant is present in population databases (rs770250516, gnomAD 0.01%). This missense change has been observed in individual(s) with ovarian cancer (PMID: 22986143, 24130102, 26261251, 29409816). ClinVar contains an entry for this variant (Variation ID: 187225). Invitae Evidence Modeling of protein sequence and biophysical properties (such as structural, functional, and spatial information, amino acid conservation, physicochemical variation, residue mobility, and thermodynamic stability) indicates that this missense variant is not expected to disrupt RAD51D protein function with a negative predictive value of 80%. In summary, the available evidence is currently insufficient to determine the role of this variant in disease. Therefore, it has been classified as a Variant of Uncertain Significance.

Women's Health and Genetics/Laboratory Corporation of America, LabCorp
Classification: Uncertain significance. Last evaluated: 2026-01-21. Review status: criteria provided, single submitter. Criteria: LabCorp Variant Classification Summary - May 2015. Collection method: clinical testing. Allele origin: germline.
Comment: Variant summary: RAD51D c.715C>T (p.Arg239Trp) results in a non-conservative amino acid change in the encoded protein sequence. Algorithms developed to predict the effect of missense changes on protein structure and function are either unavailable or do not agree on the potential impact of this missense change. The variant allele was found at a frequency of 2e-05 in 1611014 control chromosomes in the gnomAD database, including 1 homozygote. This frequency is not significantly higher than estimated for disease-causing variants in RAD51D, allowing no conclusion about variant significance. c.715C>T has been observed in individual(s) affected with clinical features of RAD51D-related cancers (Gutierrez-Enriquez_2014, Song_2015, Arranz-Ledo_2025, Guindalini_2022, Pereira_2022, Sandoval_2021, de Oliveira_2022, Pramanik_2024, Wickramanayake_2012, Sanchez-Bermudez_2018) without strong evidence for causality. These report(s) do not provide unequivocal conclusions about association of the variant with Hereditary Breast And Ovarian Cancer Syndrome. Co-occurrences with other pathogenic variant(s) have been reported (RAD51D c.694C>T, p.Arg232*), providing supporting evidence for a benign role (Sanchez-Bermudez_2018, Gutierrez-Enriquez_2014). To our knowledge, no experimental evidence demonstrating an impact on protein function has been reported. The following publications have been ascertained in the context of this evaluation (PMID: 24130102, 26261251, 37344587, 40282418, 35264596, 36672364, 35980532, 36243179, 33606809, 34923718, 35534704, 38439815, 22986143, 30306255, 29409816). ClinVar contains an entry for this variant (Variation ID: 187225). Based on the evidence outlined above, the variant was classified as uncertain significance.

Molecular Pathology, Peter Maccallum Cancer Centre
Classification: Uncertain significance for Familial ovarian cancer. Last evaluated: 2025-04-30. Review status: criteria provided, single submitter. Criteria: ACMG Guidelines, 2015. Collection method: clinical testing. Allele origin: germline. Inheritance: Autosomal dominant inheritance.

GeneDx
Classification: Uncertain significance. Last evaluated: 2025-04-04. Review status: criteria provided, single submitter. Criteria: GeneDx Variant Classification Process June 2021. Collection method: clinical testing. Allele origin: germline. Affected: yes.
Comment: Observed in individuals with a personal and/or family history of breast or ovarian cancer, some of whom are reported to also carry the pathogenic variant RAD51D p.Arg232Ter (PMID: 22986143, 24130102, 26261251, 29409816, 35264596, 35534704, 35980532); In silico analysis supports that this missense variant has a deleterious effect on protein structure/function; This variant is associated with the following publications: (PMID: 24130102, 22986143, 26261251, 29409816, 35366121, 36243179, 35534704, 19327148, 21111057, 14704354, 35264596, 35980532)

Color Diagnostics, LLC DBA Color Health
Classification: Likely benign for Hereditary cancer-predisposing syndrome. Last evaluated: 2024-09-19. Review status: criteria provided, single submitter. Criteria: ACMG Guidelines, 2015. Collection method: clinical testing. Allele origin: germline.

Molecular Diagnostics Laboratory, Catalan Institute of Oncology
Classification: Uncertain significance for Hereditary cancer-predisposing syndrome. Last evaluated: 2024-09-18. Review status: criteria provided, single submitter. Criteria: ACMG Guidelines, 2015. Collection method: clinical testing. Allele origin: germline.
Comment: BP4 c.715C>T, located in exon 8 of the RAD51D gene, is predicted to result in the substitution of arginine by tryptophan at codon 239, p.(Arg239Trp). This variant is found in 9/263186 alleles at a frequency of 0.0034% in the gnomAD v2.1.1 database, non-cancer dataset. The SpliceAI algorithm predicts no significant impact on splicing and the REVEL meta-predictor score for this variant (0.287) suggests that it does not affect the protein function according Pejaver 2022 thresholds (PMID: 36413997) (BP4). To our knowledge, neither relevant clinical data nor well-stablished functional studies have been reported for this variant. It has been reported in the ClinVar database (3x likely benign, 9x uncertain significance) and in the LOVD database (6x uncertain significance). Based on the currently available information, c.715C>T is classified as an uncertain significance variant according to ACMG guidelines.

Quest Diagnostics Nichols Institute San Juan Capistrano
Classification: Uncertain significance. Last evaluated: 2024-09-09. Review status: criteria provided, single submitter. Criteria: Quest Diagnostics criteria. Collection method: clinical testing. Allele origin: unknown.
Comment: The RAD51D c.715C>T (p.Arg239Trp) variant has been reported in the published literature in individuals with ovarian cancer (PMID: 26261251 (2015)), including a few who also carried the RAD51D c.694C>T (p.Arg232*) pathogenic variant (PMIDs: 22986143 (2012), 24130102 (2014), 29409816 (2018)). This variant has also been observed in individuals with breast cancer as well as in reportedly healthy individuals (PMIDs: 35264596 (2022), 36243179 (2022), 24130102 (2014), 33471991 (2021), see also LOVD). The frequency of this variant in the general population, 0.00004 (5/126380 chromosomes (Genome Aggregation Database)), is uninformative in the assessment of its pathogenicity. Analysis of this variant using bioinformatics tools for the prediction of the effect of amino acid changes on protein structure and function yielded conflicting predictions that this variant is benign or damaging. Based on the available information, we are unable to determine the clinical significance of this variant.

NM_002878.4(RAD51D):c.715C>T (p.Arg239Trp)

Genes: RAD51D (RAD51 paralog D; minus strand), RAD51L3-RFFL (RAD51L3-RFFL readthrough; minus strand). Cytogenetic location: 17q12.
Variant type: single nucleotide variant.
Coding change: c.715C>T on transcript NM_002878.4 (MANE Select); coding-DNA position 715, C replaced by T.
Protein change: p.Arg239Trp; replaces arginine 239 with tryptophan.
Molecular consequence: missense variant. On other transcripts: non-coding transcript variant (3).
Genome position (GRCh38, 1-based): chr17:35,103,277, G>A on the plus strand (C>T on the coding strand, the complement: RAD51D is on the minus strand). VCF-style: chr17-35103277-G-A. GRCh37 (hg19) VCF-style: chr17-33430296-G-A.
Other names: c.775C>T, p.Arg259Trp (NM_001142571.2); c.379C>T, p.Arg127Trp (NM_133629.3); short protein forms R239W, R127W, R259W.
Identifiers: ClinVar variation 187225 (VCV000187225.76), dbSNP rs770250516, ClinGen allele CA197074.
Genomic context (GRCh38, chr17:35,103,277, plus strand): 5'-TAGAAATCAAGTTCATTGGCCAAGCCTGCTTCCTCACCACCACTGCCATGCCAAGGTCCC[G>A]GGCCAGGGTCTTCAGCTCTCGGGCCAGCTGCATCATCAAGGCCAAGCCTGCAGGAGGAGG-3'
Protein context (NP_002869.3, residues 229-249): QLARELKTLA[Arg239Trp]DLGMAVVVTN